The following is an entry in ClinVar:

ClinVar aggregate classification (germline): Conflicting classifications of pathogenicity. Review status: criteria provided, conflicting classifications (1 of 4 stars). 7 submissions from 7 submitters: Uncertain significance (2); Benign (3); Likely benign (1). 1 of the submissions does not count toward it. Last evaluated 2026-01-26.

Conditions:
PDE4D-related disorder. Also called: PDE4D-related condition.
Acrodysostosis 2 with or without hormone resistance. Also called: ACRODYSOSTOSIS 2 WITH HORMONE RESISTANCE; ACRODYSOSTOSIS 2 WITHOUT HORMONE RESISTANCE. Identifiers: Orphanet 280651, MedGen C3553250, MONDO:0013822, OMIM 614613.
Inborn genetic diseases. Identifiers: MedGen C0950123, MeSH D030342.
Craniosynostosis syndrome. Also called: Craniosynostosis. Identifiers: Orphanet 1531, MedGen C0010278, MeSH D003398, MONDO:0015469, HP:0001363.

Allele frequency attached by ClinVar (database versions not stated): gnomAD 0.00013; 1000 Genomes Project 0.00020; ExAC 0.00020; gnomAD exomes 0.00030; 1000 Genomes Project 30x 0.00031; TOPMed 0.00033; ESP Exome Variant Server 0.00067.
gnomAD v4.1: 504 of 1,540,850 alleles (0.033%); highest among the groups gnomAD compares: Admixed American, 0.078%; no homozygotes.

Submissions (7):

Labcorp Genetics (formerly Invitae), Labcorp
Classification: Benign. Last evaluated: 2026-01-26. Review status: criteria provided, single submitter. Criteria: Invitae Variant Classification Sherloc (09022015). Collection method: clinical testing. Allele origin: germline.

Blueprint Genetics
Classification: Likely benign. Last evaluated: 2024-03-06. Review status: criteria provided, single submitter. Criteria: ACMG Guidelines, 2015. Collection method: clinical testing. Allele origin: germline.

GeneDx
Classification: Uncertain significance. Last evaluated: 2023-02-20. Review status: criteria provided, single submitter. Criteria: GeneDx Variant Classification Process June 2021. Collection method: clinical testing. Allele origin: germline. Affected: yes.
Comment: In silico analysis supports that this missense variant does not alter protein structure/function; Has not been previously published as pathogenic or benign to our knowledge

Ambry Genetics
Classification: Uncertain significance for Inborn genetic diseases. Last evaluated: 2021-07-23. Review status: criteria provided, single submitter. Criteria: Ambry Variant Classification Scheme 2023. Collection method: clinical testing. Allele origin: germline.

Cambridge Genomics Laboratory, East Genomic Laboratory Hub, NHS Genomic Medicine Service
Classification: Benign for Craniosynostosis syndrome. Last evaluated: 2020-03-04. Review status: criteria provided, single submitter. Criteria: ACGS Best Practice Guidelines for Variant Classification in Rare Disease 2020. Collection method: clinical testing. Allele origin: germline. Affected: yes. Observed: 1 variant allele.

Illumina Laboratory Services, Illumina
Classification: Benign for Acrodysostosis 2 with or without hormone resistance. Last evaluated: 2018-01-13. Review status: criteria provided, single submitter. Criteria: ICSL Variant Classification Criteria 13 December 2019. Collection method: clinical testing. Allele origin: germline.
Comment: This variant was observed in the ICSL laboratory as part of a predisposition screen in an ostensibly healthy population. It had not been previously curated by ICSL or reported in the Human Gene Mutation Database (HGMD: prior to June 1st, 2018), and was therefore a candidate for classification through an automated scoring system. Utilizing variant allele frequency, disease prevalence and penetrance estimates, and inheritance mode, an automated score was calculated to assess if this variant is too frequent to cause the disease. Based on the score and internal cut-off values, a variant classified as benign is not then subjected to further curation. The score for this variant resulted in a classification of benign for this disease.

PreventionGenetics, part of Exact Sciences
Classification: Likely benign for PDE4D-related condition. Last evaluated: 2023-12-20. Review status: no assertion criteria provided. Collection method: clinical testing. Allele origin: germline. Not counted in ClinVar's aggregate classification.
Comment: This variant is classified as likely benign based on ACMG/AMP sequence variant interpretation guidelines (Richards et al. 2015 PMID: 25741868, with internal and published modifications).

NM_001104631.2(PDE4D):c.125C>A (p.Pro42Gln)

Gene: PDE4D (phosphodiesterase 4D; minus strand). Cytogenetic location: 5q12.1.
Variant type: single nucleotide variant.
Coding change: c.125C>A on transcript NM_001104631.2 (MANE Select); coding-DNA position 125, C replaced by A.
Protein change: p.Pro42Gln; replaces proline 42 with glutamine.
Molecular consequence: missense variant. On other transcripts: intron variant (5).
Genome position (GRCh38, 1-based): chr5:59,893,498, G>T on the plus strand (C>A on the coding strand, the complement: PDE4D is on the minus strand). VCF-style: chr5-59893498-G-T. GRCh37 (hg19) VCF-style: chr5-59189325-G-T.
Other names: c.272+94990C>A (NM_001364599.1, NM_001165899.2, NM_001364600.2); c.-240+94990C>A (NM_001349243.2); c.242+94990C>A (NM_001349241.2); short protein forms P42Q.
Identifiers: ClinVar variation 354000 (VCV000354000.20), dbSNP rs372946517, ClinGen allele CA3276684.